The following is an entry in ClinVar:

NM_001206999.2(CIT):c.143G>A (p.Arg48Gln)

Genes: CIT (citron rho-interacting serine/threonine kinase; minus strand), LOC126861657 (MED14-independent group 3 enhancer GRCh37_chr12:120306702-120307901; plus strand). Cytogenetic location: 12q24.23.
Variant type: single nucleotide variant.
Coding change: c.143G>A on transcript NM_001206999.2 (MANE Select); coding-DNA position 143, G replaced by A.
Protein change: p.Arg48Gln; replaces arginine 48 with glutamine.
Molecular consequence: missense variant.
Genome position (GRCh38, 1-based): chr12:119,869,155, C>T on the plus strand (G>A on the coding strand, the complement: CIT is on the minus strand). VCF-style: chr12-119869155-C-T. GRCh37 (hg19) VCF-style: chr12-120306959-C-T.
Other names: c.143G>A, p.Arg48Gln (NM_007174.3); c.143G>A (NM_001206999.1); short protein forms R48Q.
Identifiers: ClinVar variation 1176967 (VCV001176967.42), dbSNP rs142607751, ClinGen allele CA6822504.

ClinVar aggregate classification (germline): Conflicting classifications of pathogenicity. Review status: criteria provided, conflicting classifications (1 of 4 stars). 4 submissions from 4 submitters: Uncertain significance (2); Likely benign (2). Last evaluated 2026-02-02.

Allele frequency attached by ClinVar (database versions not stated): TOPMed 0.00033; gnomAD 0.00042 and 0.00045; gnomAD exomes 0.00044 and 0.00046; ESP Exome Variant Server 0.00054; ExAC 0.00058.
gnomAD v4.1: 731 of 1,612,798 alleles (0.045%); highest among the groups gnomAD compares: Non-Finnish European, 0.058%; 3 homozygotes.

Submissions (13):

Labcorp Genetics (formerly Invitae), Labcorp
Classification: Uncertain significance. Last evaluated: 2026-02-02. Review status: criteria provided, single submitter. Criteria: Invitae Variant Classification Sherloc (09022015). Collection method: clinical testing. Allele origin: germline.
Comment: This sequence change replaces arginine, which is basic and polar, with glutamine, which is neutral and polar, at codon 48 of the CIT protein (p.Arg48Gln). This variant is present in population databases (rs142607751, gnomAD 0.1%), and has an allele count higher than expected for a pathogenic variant. This variant has not been reported in the literature in individuals affected with CIT-related conditions. ClinVar contains an entry for this variant (Variation ID: 1176967). An algorithm developed to predict the effect of missense changes on protein structure and function (PolyPhen-2) suggests that this variant is likely to be disruptive. In summary, the available evidence is currently insufficient to determine the role of this variant in disease. Therefore, it has been classified as a Variant of Uncertain Significance.

Laboratory of Genetics, Children's Clinical University Hospital Latvia
Classification: Likely benign. Last evaluated: 2025-02-16. Review status: criteria provided, single submitter. Criteria: ACMG Guidelines, 2015. Collection method: clinical testing. Allele origin: germline. Affected: yes.

GeneDx
Classification: Uncertain significance. Last evaluated: 2024-09-19. Review status: criteria provided, single submitter. Criteria: GeneDx Variant Classification Process June 2021. Collection method: clinical testing. Allele origin: germline. Affected: yes.
Comment: In silico analysis indicates that this missense variant does not alter protein structure/function; Has not been previously published as pathogenic or benign to our knowledge

CeGaT Center for Human Genetics Tuebingen
Classification: Likely benign. Last evaluated: 2021-06-01. Review status: criteria provided, single submitter. Criteria: CeGaT Center For Human Genetics Tuebingen Variant Classification Criteria Version 2. Collection method: clinical testing. Allele origin: germline. Affected: yes. Observed: 1 variant allele.

Dr. Peter K. Rogan Lab, Western University
No classification provided (evidence only). Condition: Clear cell carcinoma of kidney. Review status: no classification provided. Collection method: in vitro. Allele origin: not applicable. Functional consequence: retained intron. Not counted in ClinVar's aggregate classification.

Dr. Peter K. Rogan Lab, Western University
No classification provided (evidence only). Condition: Melanoma. Review status: no classification provided. Collection method: in vitro. Allele origin: not applicable. Functional consequence: retained intron. Not counted in ClinVar's aggregate classification.

Dr. Peter K. Rogan Lab, Western University
No classification provided (evidence only). Condition: Familial cancer of breast. Review status: no classification provided. Collection method: in vitro. Allele origin: not applicable. Functional consequence: retained intron. Not counted in ClinVar's aggregate classification.

Dr. Peter K. Rogan Lab, Western University
No classification provided (evidence only). Condition: Familial cancer of breast. Review status: no classification provided. Collection method: in vitro. Allele origin: not applicable. Functional consequence: retained intron. Not counted in ClinVar's aggregate classification.

Dr. Peter K. Rogan Lab, Western University
No classification provided (evidence only). Condition: Colon adenocarcinoma. Review status: no classification provided. Collection method: in vitro. Allele origin: not applicable. Functional consequence: retained intron. Not counted in ClinVar's aggregate classification.

Dr. Peter K. Rogan Lab, Western University
No classification provided (evidence only). Condition: Gastric cancer. Review status: no classification provided. Collection method: in vitro. Allele origin: not applicable. Functional consequence: retained intron. Not counted in ClinVar's aggregate classification.

Dr. Peter K. Rogan Lab, Western University
No classification provided (evidence only). Condition: Gastric cancer. Review status: no classification provided. Collection method: in vitro. Allele origin: not applicable. Functional consequence: retained intron. Not counted in ClinVar's aggregate classification.

Dr. Peter K. Rogan Lab, Western University
No classification provided (evidence only). Condition: Gastric cancer. Review status: no classification provided. Collection method: in vitro. Allele origin: not applicable. Functional consequence: retained intron. Not counted in ClinVar's aggregate classification.

Dr. Peter K. Rogan Lab, Western University
No classification provided (evidence only). Condition: Gastric cancer. Review status: no classification provided. Collection method: in vitro. Allele origin: not applicable. Functional consequence: retained intron. Not counted in ClinVar's aggregate classification.